The following is an entry in ClinVar:

NM_003107.3(SOX4):c.346C>A (p.Arg116Ser)

Gene: SOX4 (SRY-box transcription factor 4; plus strand). Cytogenetic location: 6p22.3.
Variant type: single nucleotide variant.
Coding change: c.346C>A on transcript NM_003107.3 (MANE Select); coding-DNA position 346, C replaced by A.
Protein change: p.Arg116Ser; replaces arginine 116 with serine.
Molecular consequence: missense variant.
Genome position (GRCh38, 1-based): chr6:21,594,880, C>A. VCF-style: chr6-21594880-C-A. GRCh37 (hg19) VCF-style: chr6-21595111-C-A.
Other names: short protein forms R116S.
Identifiers: ClinVar variation 3369261 (VCV003369261.2).

ClinVar aggregate classification (germline): Likely pathogenic (1 of 4 stars; one submission).

Submission:

GeneDx
Classification: Likely pathogenic. Last evaluated: 2026-05-18. Review status: criteria provided, single submitter. Criteria: GeneDx Variant Classification Process June 2021. Collection method: clinical testing. Allele origin: germline.
Comment: In silico analysis supports that this missense variant has a deleterious effect on protein structure/function; Not observed at significant frequency in large population cohorts (gnomAD); Has not been previously published as pathogenic or benign to our knowledge